The following is an entry in ClinVar:

ClinVar aggregate classification (germline): Uncertain significance (1 of 4 stars; one submission).

Conditions:
Telangiectasia, hereditary hemorrhagic, type 5 (HHT5). Identifiers: Orphanet 774, MedGen C3809710, MONDO:0014217, OMIM 615506.

Submission:

Labcorp Genetics (formerly Invitae), Labcorp
Classification: Uncertain significance for Telangiectasia, hereditary hemorrhagic, type 5. Last evaluated: 2025-05-22. Review status: criteria provided, single submitter. Criteria: Invitae Variant Classification Sherloc (09022015). Collection method: clinical testing. Allele origin: germline.
Comment: This sequence change replaces alanine, which is neutral and non-polar, with glutamic acid, which is acidic and polar, at codon 105 of the GDF2 protein (p.Ala105Glu). This variant is not present in population databases (gnomAD no frequency). This variant has not been reported in the literature in individuals affected with GDF2-related conditions. Invitae Evidence Modeling of protein sequence and biophysical properties (such as structural, functional, and spatial information, amino acid conservation, physicochemical variation, residue mobility, and thermodynamic stability) indicates that this missense variant is not expected to disrupt GDF2 protein function with a negative predictive value of 80%. In summary, the available evidence is currently insufficient to determine the role of this variant in disease. Therefore, it has been classified as a Variant of Uncertain Significance.

NM_016204.4(GDF2):c.314C>A (p.Ala105Glu)

Gene: GDF2 (growth differentiation factor 2; plus strand). Cytogenetic location: 10q11.22.
Variant type: single nucleotide variant.
Coding change: c.314C>A on transcript NM_016204.4 (MANE Select); coding-DNA position 314, C replaced by A.
Protein change: p.Ala105Glu; replaces alanine 105 with glutamic acid.
Molecular consequence: missense variant.
Genome position (GRCh38, 1-based): chr10:47,322,982, C>A. VCF-style: chr10-47322982-C-A. GRCh37 (hg19) VCF-style: chr10-48416380-G-T.
Other names: short protein forms A105E.
Identifiers: ClinVar variation 4804974 (VCV004804974.1).
Genomic context (GRCh38, chr10:47,322,982, plus strand): 5'-CGCCGCAGTACATGATTGACCTGTACAACAGGTACACGTCCGATAAGTCGACTACGCCAG[C>A]GTCCAACATTGTGCGGAGCTTCAGCATGGAAGGTAGGGTCTCCGCTTGCACCATGCGCGC-3'
Protein context (NP_057288.1, residues 95-115): RYTSDKSTTP[Ala105Glu]SNIVRSFSME